The following is an entry in ClinVar:

ClinVar aggregate classification (germline): Uncertain significance. Review status: criteria provided, multiple submitters, no conflicts (2 of 4 stars). 2 submissions from 2 submitters: Uncertain significance (2). Last evaluated 2026-01-05.

Conditions:
Spondylometaphyseal dysplasia - Sutcliffe type. Also called: Sutcliffe type of spondylometaphyseal dysplasia; Sutcliffe SMD; Spondylometaphyseal dysplasia, 'corner fracture' type; Spondylometaphyseal Dysplasia, Corner Fracture Type. Identifiers: Orphanet 93315, MedGen C0432221, MONDO:0008479, OMIM 184255.
Glomerulopathy with fibronectin deposits 2 (GFND2). Identifiers: Orphanet 84090, MedGen C1866075, MONDO:0011165, OMIM 601894.

Allele frequency attached by ClinVar (database versions not stated): TOPMed 0.00002.
gnomAD v4.1: 6 of 1,613,970 alleles (0.00037%); highest among the groups gnomAD compares: Non-Finnish European, 0.00042%; no homozygotes.

Submissions (2):

Labcorp Genetics (formerly Invitae), Labcorp
Classification: Uncertain significance. Last evaluated: 2026-01-05. Review status: criteria provided, single submitter. Criteria: Invitae Variant Classification Sherloc (09022015). Collection method: clinical testing. Allele origin: germline.
Comment: This sequence change replaces arginine, which is basic and polar, with cysteine, which is neutral and slightly polar, at codon 1392 of the FN1 protein (p.Arg1392Cys). This variant is not present in population databases (gnomAD no frequency). This variant has not been reported in the literature in individuals affected with FN1-related conditions. ClinVar contains an entry for this variant (Variation ID: 2076451). An algorithm developed to predict the effect of missense changes on protein structure and function (PolyPhen-2) suggests that this variant is likely to be disruptive. In summary, the available evidence is currently insufficient to determine the role of this variant in disease. Therefore, it has been classified as a Variant of Uncertain Significance.

Fulgent Genetics
Classification: Uncertain significance for Spondylometaphyseal dysplasia - Sutcliffe type; Glomerulopathy with fibronectin deposits 2. Last evaluated: 2024-04-22. Review status: criteria provided, single submitter. Criteria: ACMG Guidelines, 2015. Collection method: clinical testing. Allele origin: germline.

NM_212482.4(FN1):c.4174C>T (p.Arg1392Cys)

Genes: FN1 (fibronectin 1; minus strand), LOC126806497 (BRD4-independent group 4 enhancer GRCh37_chr2:216255920-216257119; plus strand). Cytogenetic location: 2q35.
Variant type: single nucleotide variant.
Coding change: c.4174C>T on transcript NM_212482.4 (MANE Select); coding-DNA position 4174, C replaced by T.
Protein change: p.Arg1392Cys; replaces arginine 1392 with cysteine.
Molecular consequence: missense variant.
Genome position (GRCh38, 1-based): chr2:215,391,710, G>A on the plus strand (C>T on the coding strand, the complement: FN1 is on the minus strand). VCF-style: chr2-215391710-G-A. GRCh37 (hg19) VCF-style: chr2-216256433-G-A.
Other names: c.4174C>T, p.Arg1392Cys (NM_001306129.2, NM_001306130.2, NM_001365517.2 and 3 more transcripts); c.3901C>T, p.Arg1301Cys (NM_001306131.2, NM_001306132.2, NM_001365518.2 and 7 more transcripts); short protein forms R1392C, R1301C.
Identifiers: ClinVar variation 2076451 (VCV002076451.5), dbSNP rs1367426886, ClinGen allele CA350484137.